The following is an entry in ClinVar:

NM_001384474.1(LOXHD1):c.4477G>T (p.Glu1493Ter)

Gene: LOXHD1 (lipoxygenase homology PLAT domains 1; minus strand). Cytogenetic location: 18q21.1.
Variant type: single nucleotide variant.
Coding change: c.4477G>T on transcript NM_001384474.1 (MANE Select); coding-DNA position 4477, G replaced by T.
Protein change: p.Glu1493Ter; replaces glutamic acid 1493 with a stop codon.
Molecular consequence: nonsense.
Genome position (GRCh38, 1-based): chr18:46,529,230, C>A on the plus strand (G>T on the coding strand, the complement: LOXHD1 is on the minus strand). VCF-style: chr18-46529230-C-A. GRCh37 (hg19) VCF-style: chr18-44109193-C-A.
Other names: c.1144G>T, p.Glu382Ter (NM_001145472.3); c.856G>T, p.Glu286Ter (NM_001308013.2); c.4477G>T, p.Glu1493Ter (NM_144612.7); c.4477G>T (NM_144612.6); short protein forms E1493*, E286*, E382*.
Identifiers: ClinVar variation 1069745 (VCV001069745.8), dbSNP rs1166673793, ClinGen allele CA402373798.
Genomic context (GRCh38, chr18:46,529,230, plus strand): 5'-CTCATACCGTTCCTCTCTCGAACTTGTTGGTCCGGTTCTCTGACTTGCCAAGGTATCGCT[C>A]CCCAGTGTCCCCGAGGTCTCCATAGATGGTGATGTACACCTTGGCATCCGTCCCTGCCCC-3'

ClinVar aggregate classification (germline): Pathogenic. Review status: criteria provided, multiple submitters, no conflicts (2 of 4 stars). 2 submissions from 2 submitters: Pathogenic (2). Last evaluated 2023-05-24.

Conditions:
Nonsyndromic genetic hearing loss. Also called: Nonsyndromic hearing loss and deafness; Non-syndromic genetic deafness; Nonsyndromic genetic deafness. Identifiers: Orphanet 87884, MedGen C5680182, MONDO:0019497.

Submissions (2):

Women's Health and Genetics/Laboratory Corporation of America, LabCorp
Classification: Pathogenic for Nonsyndromic genetic hearing loss. Last evaluated: 2023-05-24. Review status: criteria provided, single submitter. Criteria: LabCorp Variant Classification Summary - May 2015. Collection method: clinical testing. Allele origin: germline.
Comment: Variant summary: LOXHD1 c.4477G>T (p.Glu1493X) results in a premature termination codon, predicted to cause a truncation of the encoded protein or absence of the protein due to nonsense mediated decay, which are commonly known mechanisms for disease. The variant was absent in 158776 control chromosomes (gnomAD). To our knowledge, no occurrence of c.4477G>T in individuals affected with Nonsyndromic Hearing Loss And Deafness, Type 77 and no experimental evidence demonstrating its impact on protein function have been reported. One clinical diagnostic laboratory has submitted clinical-significance assessments for this variant to ClinVar after 2014 and classified the variant as pathogenic. Based on the evidence outlined above, the variant was classified as pathogenic.

Labcorp Genetics (formerly Invitae), Labcorp
Classification: Pathogenic. Last evaluated: 2020-01-15. Review status: criteria provided, single submitter. Criteria: Invitae Variant Classification Sherloc (09022015). Collection method: clinical testing. Allele origin: germline.
Comment: This sequence change creates a premature translational stop signal (p.Glu1493*) in the LOXHD1 gene. It is expected to result in an absent or disrupted protein product. This variant is not present in population databases (ExAC no frequency). This variant has not been reported in the literature in individuals with LOXHD1-related conditions. Loss-of-function variants in LOXHD1 are known to be pathogenic (PMID: 19732867, 21465660, 25792669). For these reasons, this variant has been classified as Pathogenic.

Literature cited by the submitters: PubMed 19732867 (cited by Labcorp Genetics (formerly Invitae), Labcorp); PubMed 21465660 (cited by Labcorp Genetics (formerly Invitae), Labcorp); PubMed 25792669 (cited by Labcorp Genetics (formerly Invitae), Labcorp).